The following is an entry in ClinVar:

NM_000261.2(MYOC):c.1187_1188insCCCAGA (p.Asp395_Glu396insAspPro)

Gene: MYOC (myocilin; minus strand). Cytogenetic location: 1q24.3.
Variant type: Insertion.
Coding change: c.1187_1188insCCCAGA on transcript NM_000261.2 (MANE Select); coding-DNA positions 1187 to 1188, CCCAGA inserted.
Protein change: p.Asp395_Glu396insAspPro.
Molecular consequence: inframe insertion.
Genome position: GRCh38 VCF-style: chr1-171636252-C-CTCTGGG. GRCh37 (hg19) VCF-style: chr1-171605392-C-CTCTGGG.
Other names: NM_000261.2:c.1187_1188insCCCAGA.
Identifiers: ClinVar variation 1342966 (VCV001342966.4), dbSNP rs2102944613, ClinGen allele CA1139654950.
Genomic context (GRCh38, chr1:171,636,252, plus strand): 5'-GGTTTGTTCGAGTTCCAGATTCTCTGGGTTCAGTTTGGAGAGGACAATGGCACCTTTGGC[C>CTCTGGG]TCATCGGTGCTGTAAATGACCCAGAGGCCTGCTTCATCCACAGCCAAGTCAATGTCCGTG-3'

ClinVar aggregate classification (germline): Uncertain significance (3 of 4 stars; one submission).

Conditions:
Open-angle glaucoma. Identifiers: MedGen C0017612, MONDO:0005338, HP:0012108.

Submission:

ClinGen Glaucoma Variant Curation Expert Panel
Classification: Uncertain significance for Open-angle glaucoma. Last evaluated: 2026-01-12. Review status: reviewed by expert panel. Criteria: ClinGen Glaucoma ACMG Specifications V2.0.0 Approved. Collection method: curation. Allele origin: germline. Inheritance: Autosomal dominant inheritance.
Comment: The c.1187_1188insCCCAGA variant in MYOC is predicted to cause a change in the length of the protein due to an in-frame insertion of 2 amino acids (p.Asp395_Glu396insAspPro). This variant is predicted to involve < 10% of the protein within the conserved olfactomedin domain, meeting PM4_Supporting. This variant was not found in any genetic ancestry group of gnomAD (v4.1.0), meeting the ≤ 0.0001 threshold set for PM2_Supporting in a genetic ancestry group of at least 10,000 alleles. There was no computational evidence predicting a damaging or benign impact of this variant on MYOC function. The Asp395_Glu396insAspPro protein had increased insolubility and reduced secretion levels compared to wild type myocilin protein in this study (PMID: 35196929). The assay met the OddsPath threshold for PS3_Moderate (> 4.3), indicating that this variant did impact protein function. This protein has also been assessed in this other study (PMID: 40081751), however, the same level of evidence was not met. 3 segregations in 1 family, with juvenile open angle glaucoma (JOAG), have been reported (PMID: 23566828), which fulfilled PP1 (3-4 meioses). Only 1 proband with JOAG had been reported (PMID: 23566828), not meeting the ≥ 2 probands threshold required to meet PS4_Supporting. In summary, this variant met the criteria to receive a score of 5 and to be classified as a variant of uncertain significance (uncertain significance classification range -1 to 5, adapted from PMID: 32720330) for juvenile open angle glaucoma based on the ACMG/AMP criteria met, as specified by the ClinGen Glaucoma VCEP (v2.0.0, 5 Dec 2024): PS3_Moderate, PP1, PM2_Supporting, PM4_Supporting.

Literature cited by the submitters: PubMed 40081751; PubMed 35196929.